The following is an entry in ClinVar:

ClinVar aggregate classification (germline): Uncertain significance (1 of 4 stars; one submission).

Conditions:
Inborn genetic diseases. Identifiers: MedGen C0950123, MeSH D030342.

Submission:

Ambry Genetics
Classification: Uncertain significance for Inborn genetic diseases. Last evaluated: 2025-01-30. Review status: criteria provided, single submitter. Criteria: Ambry Variant Classification Scheme 2023. Collection method: clinical testing. Allele origin: germline.
Comment: The p.C983R variant (also known as c.2947T>C), located in coding exon 13 of the MECOM gene, results from a T to C substitution at nucleotide position 2947. The cysteine at codon 983 is replaced by arginine, an amino acid with highly dissimilar properties. This amino acid position is conserved. In addition, this alteration is predicted to be deleterious by in silico analysis. Based on the available evidence, the clinical significance of this variant remains unclear.

NM_004991.4(MECOM):c.2947T>C (p.Cys983Arg)

Gene: MECOM (MDS1 and EVI1 complex locus; minus strand). Cytogenetic location: 3q26.2.
Variant type: single nucleotide variant.
Coding change: c.2947T>C on transcript NM_004991.4 (MANE Select); coding-DNA position 2947, T replaced by C.
Protein change: p.Cys983Arg; replaces cysteine 983 with arginine.
Molecular consequence: missense variant.
Genome position (GRCh38, 1-based): chr3:169,095,148, A>G on the plus strand (T>C on the coding strand, the complement: MECOM is on the minus strand). VCF-style: chr3-169095148-A-G. GRCh37 (hg19) VCF-style: chr3-168812936-A-G.
Other names: c.2578T>C, p.Cys860Arg (NM_001105077.4); c.2383T>C, p.Cys795Arg (NM_001105078.4, NM_001205194.2, NM_001366469.2 and 1 more transcripts); c.2359T>C, p.Cys787Arg (NM_001163999.2, NM_001366470.2); c.2356T>C, p.Cys786Arg (NM_001164000.2, NM_001366471.2, NM_001366472.2); c.2920T>C, p.Cys974Arg (NM_001366466.2); c.2386T>C, p.Cys796Arg (NM_001366467.2, NM_001366468.2); c.1948T>C, p.Cys650Arg (NM_001366473.2); c.1384T>C, p.Cys462Arg (NM_001366474.2); short protein forms C795R, C796R, C786R, C974R, C462R, C860R, C983R, C650R.
Identifiers: ClinVar variation 3871768 (VCV003871768.1).